The following is an entry in ClinVar:

NM_001376.5(DYNC1H1):c.2923A>G (p.Ile975Val)

Genes: DYNC1H1 (dynein cytoplasmic 1 heavy chain 1; plus strand), LOC130056502 (ATAC-STARR-seq lymphoblastoid active region 9063; plus strand). Cytogenetic location: 14q32.31.
Variant type: single nucleotide variant.
Coding change: c.2923A>G on transcript NM_001376.5 (MANE Select); coding-DNA position 2923, A replaced by G.
Protein change: p.Ile975Val; replaces isoleucine 975 with valine.
Molecular consequence: missense variant.
Genome position (GRCh38, 1-based): chr14:101,991,581, A>G. VCF-style: chr14-101991581-A-G. GRCh37 (hg19) VCF-style: chr14-102457918-A-G.
Other names: c.2923A>G (NM_001376.4); short protein forms I975V.
Identifiers: ClinVar variation 998518 (VCV000998518.8), dbSNP rs939424759, ClinGen allele CA266985117.

ClinVar aggregate classification (germline): Uncertain significance. Review status: criteria provided, multiple submitters, no conflicts (2 of 4 stars). 2 submissions from 2 submitters: Uncertain significance (2). Last evaluated 2025-03-11.

Conditions:
Charcot-Marie-Tooth disease axonal type 2O. Also called: Charcot-Marie-Tooth Neuropathy Type 2O; Charcot-Marie-Tooth disease, axonal, type 20; CHARCOT-MARIE-TOOTH NEUROPATHY, AXONAL, TYPE 2O; CHARCOT-MARIE-TOOTH DISEASE, AXONAL, AUTOSOMAL DOMINANT, TYPE 2O. Identifiers: Orphanet 284232, MedGen C3280220, MONDO:0013644, OMIM 614228.

Allele frequency attached by ClinVar (database versions not stated): gnomAD exomes 0.00002.
gnomAD v4.1: 30 of 1,614,212 alleles (0.0019%); highest among the groups gnomAD compares: Non-Finnish European, 0.0021%; no homozygotes.

Submissions (2):

Labcorp Genetics (formerly Invitae), Labcorp
Classification: Uncertain significance for Charcot-Marie-Tooth disease axonal type 2O. Last evaluated: 2025-03-11. Review status: criteria provided, single submitter. Criteria: Invitae Variant Classification Sherloc (09022015). Collection method: clinical testing. Allele origin: germline.
Comment: This sequence change replaces isoleucine, which is neutral and non-polar, with valine, which is neutral and non-polar, at codon 975 of the DYNC1H1 protein (p.Ile975Val). This variant is not present in population databases (gnomAD no frequency). This variant has not been reported in the literature in individuals affected with DYNC1H1-related conditions. ClinVar contains an entry for this variant (Variation ID: 998518). Invitae Evidence Modeling of protein sequence and biophysical properties (such as structural, functional, and spatial information, amino acid conservation, physicochemical variation, residue mobility, and thermodynamic stability) indicates that this missense variant is not expected to disrupt DYNC1H1 protein function with a negative predictive value of 95%. In summary, the available evidence is currently insufficient to determine the role of this variant in disease. Therefore, it has been classified as a Variant of Uncertain Significance.

GeneDx
Classification: Uncertain significance. Last evaluated: 2024-12-19. Review status: criteria provided, single submitter. Criteria: GeneDx Variant Classification Process June 2021. Collection method: clinical testing. Allele origin: germline. Affected: yes.
Comment: Not observed at significant frequency in large population cohorts (gnomAD); In silico analysis indicates that this missense variant does not alter protein structure/function; Reported in an individual from a cohort of rare disease cases that underwent whole genome sequencing in published literature; however, no clinical or segregation information was provided (PMID: 33726816); This variant is associated with the following publications: (PMID: 26100331, 25609763, 25512093, 33726816)